The following is an entry in ClinVar:

ClinVar aggregate classification (germline): Uncertain significance (1 of 4 stars; one submission).

Conditions:
Breast-ovarian cancer, familial, susceptibility to, 4. Identifiers: Orphanet 145, MedGen C3280345, MONDO:0013669, OMIM 614291.

Submission:

Labcorp Genetics (formerly Invitae), Labcorp
Classification: Uncertain significance for Breast-ovarian cancer, familial, susceptibility to, 4. Last evaluated: 2019-03-25. Review status: criteria provided, single submitter. Criteria: Invitae Variant Classification Sherloc (09022015). Collection method: clinical testing. Allele origin: germline.
Comment: In summary, the available evidence is currently insufficient to determine the role of this variant in disease. Therefore, it has been classified as a Variant of Uncertain Significance. Algorithms developed to predict the effect of missense changes on protein structure and function are either unavailable or do not agree on the potential impact of this missense change (SIFT: "Tolerated"; PolyPhen-2: "Possibly Damaging"; Align-GVGD: "Class C0"). This variant has not been reported in the literature in individuals with RAD51D-related conditions. This variant is not present in population databases (ExAC no frequency). This sequence change replaces aspartic acid with asparagine at codon 174 of the RAD51D protein (p.Asp174Asn). The aspartic acid residue is moderately conserved and there is a small physicochemical difference between aspartic acid and asparagine.

NM_002878.4(RAD51D):c.520G>A (p.Asp174Asn)

Genes: RAD51L3-RFFL (RAD51L3-RFFL readthrough; minus strand), RAD51D (RAD51 paralog D; minus strand). Cytogenetic location: 17q12.
Variant type: single nucleotide variant.
Coding change: c.520G>A on transcript NM_002878.4 (MANE Select); coding-DNA position 520, G replaced by A.
Protein change: p.Asp174Asn; replaces aspartic acid 174 with asparagine.
Molecular consequence: missense variant. On other transcripts: non-coding transcript variant (3).
Genome position (GRCh38, 1-based): chr17:35,106,442, C>T on the plus strand (G>A on the coding strand, the complement: RAD51D is on the minus strand). VCF-style: chr17-35106442-C-T. GRCh37 (hg19) VCF-style: chr17-33433461-C-T.
Other names: c.580G>A, p.Asp194Asn (NM_001142571.2); c.184G>A, p.Asp62Asn (NM_133629.3); short protein forms D194N, D62N, D174N.
Identifiers: ClinVar variation 845449 (VCV000845449.6), dbSNP rs1555568152, ClinGen allele CA399088844.